The following is an entry in ClinVar:

NM_017617.5(NOTCH1):c.3966C>T (p.Cys1322=)

Gene: NOTCH1 (notch receptor 1; minus strand). Cytogenetic location: 9q34.3.
Variant type: single nucleotide variant.
Coding change: c.3966C>T on transcript NM_017617.5 (MANE Select); coding-DNA position 3966, C replaced by T.
Protein change: p.Cys1322=; no amino-acid change (cysteine 1322 retained).
Molecular consequence: synonymous variant.
Genome position (GRCh38, 1-based): chr9:136,506,575, G>A on the plus strand (C>T on the coding strand, the complement: NOTCH1 is on the minus strand). VCF-style: chr9-136506575-G-A. GRCh37 (hg19) VCF-style: chr9-139401027-G-A.
Other names: p.Cys1322=; c.3966C>T, p.Cys1322= (LRG_1122t1).
Identifiers: ClinVar variation 415382 (VCV000415382.16), dbSNP rs753290862, ClinGen allele CA5340747.
Genomic context (GRCh38, chr9:136,506,575, plus strand): 5'-CCCTGCACCTACCGCAGGGCACTTGCAGATGAACCCGCGGGCGGTGTTGGAGGCCACGGC[G>A]CAGGTGCCCCCATTCTTGCAGGGCTTGCCTTTGCAGCCATTGATGACGGACTCGCAGCGG-3'
Protein context (NP_060087.3, residues 1312-1332): KGKPCKNGGT[Cys1322=]AVASNTARGF

ClinVar aggregate classification (germline): Likely benign. Review status: criteria provided, multiple submitters, no conflicts (2 of 4 stars). 6 submissions from 5 submitters: Likely benign (6). Last evaluated 2025-12-10.

Conditions:
Aortic valve disease 1 (AOVD1). Identifiers: MedGen C3887892, MONDO:0024523, OMIM 109730.
Familial thoracic aortic aneurysm and aortic dissection (TAAD). Also called: Thoracic aortic aneurysms and dissections. Identifiers: Orphanet 91387, MedGen C4707243, MONDO:0019625.
Adams-Oliver syndrome 5 (AOS5). Identifiers: Orphanet 974, MedGen C4014970, MONDO:0014459, OMIM 616028.

Allele frequency attached by ClinVar (database versions not stated): gnomAD exomes 0.00003 and 0.00004; ExAC 0.00004; TOPMed 0.00006; gnomAD 0.00008 and 0.00009.
gnomAD v4.1: 58 of 1,610,478 alleles (0.0036%); highest among the groups gnomAD compares: African/African-American, 0.012%; no homozygotes.

Submissions (6):

Mayo Clinic Laboratories, Mayo Clinic
Classification: Likely benign. Last evaluated: 2025-12-10. Review status: criteria provided, single submitter. Criteria: ACMG Guidelines, 2015. Collection method: clinical testing. Allele origin: germline. Observed: 1 variant allele.
Comment: BP4, BP7

Labcorp Genetics (formerly Invitae), Labcorp
Classification: Likely benign for Adams-Oliver syndrome 5. Last evaluated: 2025-12-08. Review status: criteria provided, single submitter. Criteria: Invitae Variant Classification Sherloc (09022015). Collection method: clinical testing. Allele origin: germline.

Ambry Genetics
Classification: Likely benign for Familial thoracic aortic aneurysm and aortic dissection. Last evaluated: 2023-03-11. Review status: criteria provided, single submitter. Criteria: Ambry Variant Classification Scheme 2023. Collection method: clinical testing. Allele origin: germline.

Genome-Nilou Lab
Classification: Likely benign for Adams-Oliver syndrome 5. Last evaluated: 2022-03-15. Review status: criteria provided, single submitter. Criteria: ACMG Guidelines, 2015. Collection method: clinical testing. Allele origin: germline. Affected: no.

Genome-Nilou Lab
Classification: Likely benign for Aortic valve disease 1. Last evaluated: 2022-03-15. Review status: criteria provided, single submitter. Criteria: ACMG Guidelines, 2015. Collection method: clinical testing. Allele origin: germline. Affected: no.

GeneDx
Classification: Likely benign. Last evaluated: 2018-10-05. Review status: criteria provided, single submitter. Criteria: GeneDx Variant Classification Process June 2021. Collection method: clinical testing. Allele origin: germline. Affected: yes.